The following is an entry in ClinVar:

ClinVar aggregate classification (germline): Uncertain significance (1 of 4 stars; one submission).

gnomAD v4.1: 13 of 1,536,182 alleles (0.00085%); highest among the groups gnomAD compares: East Asian, 0.027%; no homozygotes.

Submission:

Labcorp Genetics (formerly Invitae), Labcorp
Classification: Uncertain significance. Last evaluated: 2022-07-30. Review status: criteria provided, single submitter. Criteria: Invitae Variant Classification Sherloc (09022015). Collection method: clinical testing. Allele origin: germline.
Comment: This variant has not been reported in the literature in individuals affected with C2CD3-related conditions. The C2CD3 gene has multiple clinically relevant transcripts. This variant occurs in alternate transcript NM_001286577.1, and corresponds to NM_015531.5:c.*910G>T in the primary transcript. This sequence change replaces alanine, which is neutral and non-polar, with valine, which is neutral and non-polar, at codon 2170 of the C2CD3 protein (p.Ala2170Val). This variant is present in population databases (no rsID available, gnomAD 0.08%). Experimental studies and prediction algorithms are not available or were not evaluated, and the functional significance of this variant is currently unknown. In summary, the available evidence is currently insufficient to determine the role of this variant in disease. Therefore, it has been classified as a Variant of Uncertain Significance.

NM_001286577.2(C2CD3):c.6509C>T (p.Ala2170Val)

Gene: C2CD3 (C2 domain containing 3 centriole elongation regulator; minus strand). Cytogenetic location: 11q13.4.
Variant type: single nucleotide variant.
Coding change: c.6509C>T on transcript NM_001286577.2 (MANE Select); coding-DNA position 6509, C replaced by T.
Protein change: p.Ala2170Val; replaces alanine 2170 with valine.
Molecular consequence: missense variant.
Genome position (GRCh38, 1-based): chr11:74,033,651, G>A on the plus strand (C>T on the coding strand, the complement: C2CD3 is on the minus strand). VCF-style: chr11-74033651-G-A. GRCh37 (hg19) VCF-style: chr11-73744696-G-A.
Other names: short protein forms A2170V.
Identifiers: ClinVar variation 1961269 (VCV001961269.5), dbSNP rs979984361, ClinGen allele CA381820068.